The following is an entry in ClinVar:

NM_019066.5(MAGEL2):c.2518C>T (p.Pro840Ser)

Gene: MAGEL2 (MAGE family member L2; minus strand). Cytogenetic location: 15q11.2.
Variant type: single nucleotide variant.
Coding change: c.2518C>T on transcript NM_019066.5 (MANE Select); coding-DNA position 2518, C replaced by T.
Protein change: p.Pro840Ser; replaces proline 840 with serine.
Molecular consequence: missense variant.
Genome position (GRCh38, 1-based): chr15:23,645,225, G>A on the plus strand (C>T on the coding strand, the complement: MAGEL2 is on the minus strand). VCF-style: chr15-23645225-G-A. GRCh37 (hg19) VCF-style: chr15-23890372-G-A.
Other names: short protein forms P840S.
Identifiers: ClinVar variation 2972649 (VCV002972649.3), dbSNP rs889293996, ClinGen allele CA267659019.
Genomic context (GRCh38, chr15:23,645,225, plus strand): 5'-CTGCTGTAGCCATCAGGAAGGTGGGCACTGCCTGCGATGCCTTTGAGGCATTCATATTGG[G>A]CTGTGGGACCCATGGAACTGCAGGCAGGGCCTCTACACAGGCAAAGGGATCCTGCAGAGC-3'
Protein context (NP_061939.3, residues 830-850): ALPAVPWVPQ[Pro840Ser]NMNASKASQA

ClinVar aggregate classification (germline): Uncertain significance (1 of 4 stars; one submission).

Allele frequency attached by ClinVar (database versions not stated): TOPMed below 0.00001; gnomAD exomes 0.00001.
gnomAD v4.1: 8 of 1,613,926 alleles (0.0005%); highest among the groups gnomAD compares: East Asian, 0.0022%; no homozygotes.

Submission:

Labcorp Genetics (formerly Invitae), Labcorp
Classification: Uncertain significance. Last evaluated: 2024-10-04. Review status: criteria provided, single submitter. Criteria: Invitae Variant Classification Sherloc (09022015). Collection method: clinical testing. Allele origin: germline.
Comment: This sequence change replaces proline, which is neutral and non-polar, with serine, which is neutral and polar, at codon 840 of the MAGEL2 protein (p.Pro840Ser). This variant is present in population databases (no rsID available, gnomAD 0.006%). This variant has not been reported in the literature in individuals affected with MAGEL2-related conditions. Invitae Evidence Modeling of protein sequence and biophysical properties (such as structural, functional, and spatial information, amino acid conservation, physicochemical variation, residue mobility, and thermodynamic stability) indicates that this missense variant is not expected to disrupt MAGEL2 protein function with a negative predictive value of 80%. In summary, the available evidence is currently insufficient to determine the role of this variant in disease. Therefore, it has been classified as a Variant of Uncertain Significance.